The following is an entry in ClinVar:

NM_001103.4(ACTN2):c.877C>A (p.Leu293Ile)

Gene: ACTN2 (actinin alpha 2; plus strand). Cytogenetic location: 1q43.
Variant type: single nucleotide variant.
Coding change: c.877C>A on transcript NM_001103.4 (MANE Select); coding-DNA position 877, C replaced by A.
Protein change: p.Leu293Ile; replaces leucine 293 with isoleucine.
Molecular consequence: missense variant. On other transcripts: non-coding transcript variant (1).
Genome position (GRCh38, 1-based): chr1:236,739,302, C>A. VCF-style: chr1-236739302-C-A. GRCh37 (hg19) VCF-style: chr1-236902602-C-A.
Other names: c.877C>A, p.Leu293Ile (NM_001278343.2); c.253C>A, p.Leu85Ile (NM_001278344.2); c.127C>A, p.Leu43Ile (NM_001412150.1); short protein forms L43I, L293I, L85I.
Identifiers: ClinVar variation 2925816 (VCV002925816.3), dbSNP rs2527599065, ClinGen allele CA345379816.

ClinVar aggregate classification (germline): Uncertain significance (1 of 4 stars; one submission).

Conditions:
Dilated cardiomyopathy 1AA (CMD1AA). Also called: CARDIOMYOPATHY, DILATED, 1AA, WITH OR WITHOUT LEFT VENTRICULAR NONCOMPACTION; CARDIOMYOPATHY, FAMILIAL HYPERTROPHIC, 23, WITH OR WITHOUT LEFT VENTRICULAR NONCOMPACTION; Cardiomyopathy, dilated, 1AA, with or without LVNC. Identifiers: Orphanet 154, MedGen C2677338, MONDO:0012808, OMIM 612158.
Primary familial hypertrophic cardiomyopathy (HCM). Identifiers: Orphanet 99739, MedGen C0949658, MeSH D024741, MONDO:0024573. Inheritance: Various modes of inheritance.

Submission:

Labcorp Genetics (formerly Invitae), Labcorp
Classification: Uncertain significance for Primary familial hypertrophic cardiomyopathy; Dilated cardiomyopathy 1AA. Last evaluated: 2022-12-16. Review status: criteria provided, single submitter. Criteria: Invitae Variant Classification Sherloc (09022015). Collection method: clinical testing. Allele origin: germline.
Comment: This sequence change replaces leucine, which is neutral and non-polar, with isoleucine, which is neutral and non-polar, at codon 293 of the ACTN2 protein (p.Leu293Ile). This variant is not present in population databases (gnomAD no frequency). This variant has not been reported in the literature in individuals affected with ACTN2-related conditions. Algorithms developed to predict the effect of missense changes on protein structure and function are either unavailable or do not agree on the potential impact of this missense change (SIFT: "Deleterious"; PolyPhen-2: "Benign"; Align-GVGD: "Class C0"). In summary, the available evidence is currently insufficient to determine the role of this variant in disease. Therefore, it has been classified as a Variant of Uncertain Significance.